The following is an entry in ClinVar:

NM_138694.4(PKHD1):c.7653_7656delinsTTGGTT (p.Leu2551fs)

Gene: PKHD1 (PKHD1 ciliary IPT domain containing fibrocystin/polyductin; minus strand). Cytogenetic location: 6p12.2.
Variant type: Indel.
Coding change: c.7653_7656delinsTTGGTT on transcript NM_138694.4 (MANE Select); coding-DNA positions 7653 to 7656, GGTC replaced by TTGGTT.
Protein change: p.Leu2551fs; shifts the reading frame from leucine 2551.
Molecular consequence: frameshift variant.
Genome position (GRCh38, 1-based): chr6:51,867,940-51,867,943, GACC replaced by AACCAA on the plus strand (GGTC replaced by TTGGTT on the coding strand, the reverse complement: PKHD1 is on the minus strand). VCF-style: chr6-51867940-GACC-AACCAA. GRCh37 (hg19) VCF-style: chr6-51732738-GACC-AACCAA.
Other names: c.7653_7656delinsTTGGTT, p.Leu2551fs (NM_170724.3); short protein forms L2551fs.
Identifiers: ClinVar variation 4816750 (VCV004816750.1).
Genomic context (GRCh38, chr6:51,867,940, plus strand): 5'-ATGAAAAAGAACACCTCCTCCACAGGCACTGCCATGGACAACCCGACCAAAGCTTGAATT[GACC>AACCAA]AAACAAGAAGCTGAAAGGGTTTCCATAGAAGCAAGAATGTGACTTCTGTTTTTCCCAGAC-3'

ClinVar aggregate classification (germline): Likely pathogenic (1 of 4 stars; one submission).

Conditions:
Autosomal recessive polycystic kidney disease (ARPKD). Also called: AR polycystic kidney disease. Identifiers: Orphanet 731, Orphanet 8378, MedGen C0085548, MeSH D017044, MONDO:0009889.

Submission:

Natera, Inc.
Classification: Likely pathogenic for Autosomal recessive polycystic kidney disease. Last evaluated: 2025-07-10. Review status: criteria provided, single submitter. Criteria: Natera Variant Classification Schema (03/2026). Collection method: clinical testing. Allele origin: germline.
Comment: The c.7653_7656delGGTCinsTTGGTT variant in PKHD1 is a frameshift variant predicted to shift the reading frame beginning at codon 2551 and leads to a stop codon 29 codons downstream. This variant is expected to result in nonsense mediated decay, truncation, or a dysfunctional protein product. This variant is rare in the general population with a frequency below the threshold expected for the associated phenotype(s). Given the available evidence, this variant is classified as Likely Pathogenic.